The following is an entry in ClinVar:

NM_001330691.3(CEP78):c.856_857del (p.Leu286fs)

Gene: CEP78 (centrosomal protein 78; plus strand). Cytogenetic location: 9q21.2.
Variant type: Microsatellite.
Coding change: c.856_857del on transcript NM_001330691.3 (MANE Select); coding-DNA positions 856 to 857, 2 bases deleted (CT; older notation c.856_857delCT).
Protein change: p.Leu286fs; shifts the reading frame from leucine 286.
Molecular consequence: frameshift variant.
Genome position (GRCh38, 1-based): chr9:78,246,746-78,246,747, CT deleted; deleting any 2 consecutive bases within chr9:78,246,744-78,246,747 gives the same sequence; the c. name uses the placement nearest the transcript's 3' end. VCF-style (leftmost placement, unchanged base first): chr9-78246743-ACT-A. GRCh37 (hg19) VCF-style: chr9-80861659-ACT-A.
Other names: c.856_857del, p.Leu286fs (NM_001098802.3, NM_001330693.3, NM_001330694.2 and 4 more transcripts); short protein forms L286fs.
Identifiers: ClinVar variation 4810406 (VCV004810406.2).

ClinVar aggregate classification (germline): Pathogenic/Likely pathogenic. Review status: criteria provided, multiple submitters, no conflicts (2 of 4 stars). 2 submissions from 2 submitters: Pathogenic (1); Likely pathogenic (1). Last evaluated 2025-04-10.

Conditions:
CEP78-related disorder. Also called: CEP78-related condition.

Submissions (2):

Labcorp Genetics (formerly Invitae), Labcorp
Classification: Pathogenic. Last evaluated: 2025-04-10. Review status: criteria provided, single submitter. Criteria: Invitae Variant Classification Sherloc (09022015). Collection method: clinical testing. Allele origin: germline.
Comment: This sequence change creates a premature translational stop signal (p.Leu286Glyfs*12) in the CEP78 gene. It is expected to result in an absent or disrupted protein product. Loss-of-function variants in CEP78 are known to be pathogenic (PMID: 27588451, 27588452, 27627988). This variant is not present in population databases (gnomAD no frequency). This variant has not been reported in the literature in individuals affected with CEP78-related conditions. For these reasons, this variant has been classified as Pathogenic.

Blueprint Genetics
Classification: Likely pathogenic for CEP78-related disorders. Last evaluated: 2021-03-09. Review status: criteria provided, single submitter. Criteria: ACMG Guidelines, 2015. Collection method: clinical testing. Allele origin: germline. Affected: yes. Observed: 5 variant alleles.

Literature cited by the submitters: PubMed 27588451 (cited by Labcorp Genetics (formerly Invitae), Labcorp); PubMed 27588452 (cited by Labcorp Genetics (formerly Invitae), Labcorp); PubMed 27627988 (cited by Labcorp Genetics (formerly Invitae), Labcorp).